The following is an entry in ClinVar:

NC_000022.11:g.(?_28687897)_(28689225_?)dup

Gene: CHEK2 (checkpoint kinase 2; minus strand). Cytogenetic location: 22q12.1.
Variant type: Duplication.
Identifiers: ClinVar variation 830387 (VCV000830387.6).

ClinVar aggregate classification (germline): Uncertain significance (1 of 4 stars; one submission).

Conditions:
Familial cancer of breast. Also called: BREAST CANCER, FAMILIAL; Hereditary breast cancer; hereditary breast carcinoma. Identifiers: Orphanet 227535, MedGen C0346153, MONDO:0016419, OMIM 114480. Disease mechanism: loss of function.

Submission:

Labcorp Genetics (formerly Invitae), Labcorp
Classification: Uncertain significance for Familial cancer of breast. Last evaluated: 2022-09-05. Review status: criteria provided, single submitter. Criteria: Invitae Variant Classification Sherloc (09022015). Collection method: clinical testing. Allele origin: germline.
Comment: This variant results in a copy number gain of the genomic region encompassing exon(s) 14-15 of the CHEK2 gene. This region includes the termination codon of the gene. This copy number gain extends beyond the assayed region for this gene and therefore may encompass additional genes. As the precise location of this event is unknown, it may be in tandem or it may be located elsewhere in the genome. This variant has not been reported in the literature in individuals affected with CHEK2-related conditions. Experimental studies and prediction algorithms are not available or were not evaluated, and the functional significance of this variant is currently unknown. In summary, the available evidence is currently insufficient to determine the role of this variant in disease. Therefore, it has been classified as a Variant of Uncertain Significance.